The following is an entry in ClinVar:

NM_004004.6(GJB2):c.175G>A (p.Gly59Ser)

Gene: GJB2 (gap junction protein beta 2; minus strand). Cytogenetic location: 13q12.11.
Variant type: single nucleotide variant.
Coding change: c.175G>A on transcript NM_004004.6 (MANE Select); coding-DNA position 175, G replaced by A.
Protein change: p.Gly59Ser; replaces glycine 59 with serine.
Molecular consequence: missense variant.
Genome position (GRCh38, 1-based): chr13:20,189,407, C>T on the plus strand (G>A on the coding strand, the complement: GJB2 is on the minus strand). VCF-style: chr13-20189407-C-T. GRCh37 (hg19) VCF-style: chr13-20763546-C-T.
Other names: c.175G>A (NM_004004.5); short protein forms G59S.
Identifiers: ClinVar variation 17034 (VCV000017034.11), dbSNP rs104894410, ClinGen allele CA127035.
Genomic context (GRCh38, chr13:20,189,407, plus strand): 5'-GGGCCCATAGCCGGATGTGGGAGATGGGGAAGTAGTGATCGTAGCACACGTTCTTGCAGC[C>T]TGGCTGCAGGGTGTTGCAGACAAAGTCGGCCTGCTCATCTCCCCACACCTCCTTTGCAGC-3'
Protein context (NP_003995.2, residues 49-69): ADFVCNTLQP[Gly59Ser]CKNVCYDHYF

ClinVar aggregate classification (germline): Conflicting classifications of pathogenicity. Review status: criteria provided, conflicting classifications (1 of 4 stars). 4 submissions from 4 submitters: Pathogenic (1); Likely pathogenic (1); Uncertain significance (1). 1 of the submissions does not count toward it. Last evaluated 2025-07-16.

Conditions:
Knuckle pads, deafness AND leukonychia syndrome. Also called: Bart-Pumphrey syndrome. Identifiers: Orphanet 2698, MedGen C0266004, MONDO:0007866, OMIM 149200.
Autosomal recessive nonsyndromic hearing loss 1A (DFNB1A). Also called: Deafness, autosomal recessive 1A; Nonsyndromic Hearing Loss and Deafness, DFNB1; GJB2-Related Autosomal Recessive Nonsyndromic Hearing Loss; GJB6-Related DFNB 1 Nonsyndromic Hearing Loss and Deafness; Connexin 26 deafness; Deafness nonsyndromic, Connexin 26 linked. Identifiers: Orphanet 90636, MedGen C2673759, MONDO:0009076, OMIM 220290.

Submissions (4):

Natera, Inc.
Classification: Likely pathogenic for Autosomal recessive deafness type 1A. Last evaluated: 2025-07-16. Review status: criteria provided, single submitter. Criteria: Natera Variant Classification Schema (03/2026). Collection method: clinical testing. Allele origin: germline.
Comment: The c.175G>A variant in GJB2 is a missense variant predicted to cause substitution of glycine to serine at amino acid 59. This variant is rare in the general population with a frequency below the threshold expected for the associated phenotype(s). This variant has been observed in affected individual(s) with monoallelic occurrence (heterozygous/hemizygous) (PMID: 15952212, 17106596, 25555641, 30565282, 39603856). A different variant at the same position has been determined to be Pathogenic or Likely Pathogenic. Computational prediction algorithms indicate this variant is likely to affect gene or protein function. Given the available evidence, this variant is classified as Likely Pathogenic.

GeneDx
Classification: Uncertain significance. Last evaluated: 2022-12-20. Review status: criteria provided, single submitter. Criteria: GeneDx Variant Classification Process June 2021. Collection method: clinical testing. Allele origin: germline. Affected: yes.
Comment: Not observed at significant frequency in large population cohorts (gnomAD); In silico analysis supports that this missense variant has a deleterious effect on protein structure/function; This variant is associated with the following publications: (PMID: 25388846, 21484990, 21933662, 22421650, 19416251, 22547955, 22007731, 22796187, Hsieh2020[casereport], 24011308, 32745176, 15952212, 17106596, 26775130, 30565282)

Labcorp Genetics (formerly Invitae), Labcorp
Classification: Pathogenic. Last evaluated: 2022-03-10. Review status: criteria provided, single submitter. Criteria: Invitae Variant Classification Sherloc (09022015). Collection method: clinical testing. Allele origin: germline.
Comment: This variant is not present in population databases (gnomAD no frequency). This sequence change replaces glycine, which is neutral and non-polar, with serine, which is neutral and polar, at codon 59 of the GJB2 protein (p.Gly59Ser). This missense change has been observed in individuals with Vohwinkel syndrome and Bart–Pumphrey syndrome (PMID: 15952212, 17106596, 30565282). For these reasons, this variant has been classified as Pathogenic. Advanced modeling of protein sequence and biophysical properties (such as structural, functional, and spatial information, amino acid conservation, physicochemical variation, residue mobility, and thermodynamic stability) performed at Invitae indicates that this missense variant is expected to disrupt GJB2 protein function. ClinVar contains an entry for this variant (Variation ID: 17034).

OMIM
Classification: Pathogenic for BART-PUMPHREY SYNDROME. Last evaluated: 2005-07-30. Review status: no assertion criteria provided. Collection method: literature only. Allele origin: germline. Not counted in ClinVar's aggregate classification.

Literature cited by the submitters: PubMed 15952212 (cited by 3 submitters); PubMed 17106596 (cited by Natera, Inc. and Labcorp Genetics (formerly Invitae), Labcorp); PubMed 25555641 (cited by Natera, Inc.); PubMed 30565282 (cited by Natera, Inc. and Labcorp Genetics (formerly Invitae), Labcorp); PubMed 39603856 (cited by Natera, Inc.); PubMed 10633135 (cited by OMIM).